The following is an entry in ClinVar:

ClinVar aggregate classification (germline): Conflicting classifications of pathogenicity. Review status: criteria provided, conflicting classifications (1 of 4 stars). 2 submissions from 2 submitters: Uncertain significance (1); Likely benign (1). Last evaluated 2025-09-03.

Conditions:
Hereditary cancer-predisposing syndrome. Also called: Hereditary Cancer Syndrome; Hereditary neoplastic syndrome; Neoplastic Syndromes, Hereditary; Tumor predisposition. Identifiers: Orphanet 140162, MedGen C0027672, MeSH D009386, MONDO:0015356.
Hereditary breast ovarian cancer syndrome. Also called: BRCA1- and BRCA2-Associated Hereditary Breast and Ovarian Cancer; Hereditary breast and ovarian cancer syndrome (HBOC); Hereditary breast and ovarian cancer; Hereditary breast and ovarian cancer syndrome; Breast and ovarian cancer; Hereditary breast and/or ovarian cancer syndrome. Identifiers: Orphanet 145, MedGen C0677776, MeSH D061325, MONDO:0003582. Disease mechanism: loss of function.

Submissions (2):

Labcorp Genetics (formerly Invitae), Labcorp
Classification: Uncertain significance for Hereditary breast ovarian cancer syndrome. Last evaluated: 2025-09-03. Review status: criteria provided, single submitter. Criteria: Invitae Variant Classification Sherloc (09022015). Collection method: clinical testing. Allele origin: germline.
Comment: This sequence change replaces methionine, which is neutral and non-polar, with isoleucine, which is neutral and non-polar, at codon 546 of the BRCA1 protein (p.Met546Ile). This variant is not present in population databases (gnomAD no frequency). This variant has not been reported in the literature in individuals affected with BRCA1-related conditions. ClinVar contains an entry for this variant (Variation ID: 409327). Invitae Evidence Modeling of protein sequence and biophysical properties (such as structural, functional, and spatial information, amino acid conservation, physicochemical variation, residue mobility, and thermodynamic stability) indicates that this missense variant is not expected to disrupt BRCA1 protein function with a negative predictive value of 80%. In summary, the available evidence is currently insufficient to determine the role of this variant in disease. Therefore, it has been classified as a Variant of Uncertain Significance.

University of Washington Department of Laboratory Medicine, University of Washington
Classification: Likely benign for Hereditary cancer-predisposing syndrome. Last evaluated: 2023-03-23. Review status: criteria provided, single submitter. Criteria: Dines et al. (Genet Med. 2020). Collection method: curation. Allele origin: germline.
Comment: Missense variant in a coldspot region where missense variants are very unlikely to be pathogenic (PMID:31911673).

BRCA1 coldspot (exon 11 using historical exon numbering). Reclassification based on statistical prior probability

NM_007294.4(BRCA1):c.1638G>A (p.Met546Ile)

Gene: BRCA1 (BRCA1 DNA repair associated; minus strand). Cytogenetic location: 17q21.31.
Variant type: single nucleotide variant.
Coding change: c.1638G>A on transcript NM_007294.4 (MANE Select); coding-DNA position 1638, G replaced by A.
Protein change: p.Met546Ile; replaces methionine 546 with isoleucine.
Molecular consequence: missense variant. On other transcripts: intron variant (137).
Genome position (GRCh38, 1-based): chr17:43,093,893, C>T on the plus strand (G>A on the coding strand, the complement: BRCA1 is on the minus strand). VCF-style: chr17-43093893-C-T. GRCh37 (hg19) VCF-style: chr17-41245910-C-T.
Other names: c.1515G>A, p.Met505Ile (NM_001407683.1, NM_001407863.1, NM_001407919.1 and 19 more transcripts); c.1638G>A, p.Met546Ile (NM_001407684.1, NM_001407854.1, NM_001407858.1 and 30 more transcripts); c.1512G>A, p.Met504Ile (NM_001407685.1, NM_001407686.1, NM_001407687.1 and 11 more transcripts); c.1497G>A, p.Met499Ile (NM_001407692.1, NM_001407694.1, NM_001407695.1 and 29 more transcripts); c.1494G>A, p.Met498Ile (NM_001407740.1, NM_001407741.1, NM_001407742.1 and 20 more transcripts); c.1425G>A, p.Met475Ile (NM_001407853.1, NM_001407894.1, NM_001407895.1 and 9 more transcripts); c.1635G>A, p.Met545Ile (NM_001407860.1, NM_001407861.1, NM_001407587.1 and 22 more transcripts); c.1437G>A, p.Met479Ile (NM_001407862.1); and 40 more; short protein forms M546I, M499I, M378I, M505I, M520I, M250I, M419I, M457I.
Identifiers: ClinVar variation 409327 (VCV000409327.12), dbSNP rs1060502340, ClinGen allele CA10598763.
Genomic context (GRCh38, chr17:43,093,893, plus strand): 5'-TTTCTCATTCTGAATAGAATCACCTTTTGTTTTATTCTCATGACCACTATTAGTAATATT[C>T]ATCACTTGACCATTCTGCTCCGTTTGGTTAGTTCCCTGATTTATCATTTCAGGAGTCTTT-3'
Protein context (NP_009225.1, residues 536-556): TNQTEQNGQV[Met546Ile]NITNSGHENK